The following is an entry in ClinVar:

NM_014225.6(PPP2R1A):c.888C>T (p.Ala296=)

Gene: PPP2R1A (protein phosphatase 2 scaffold subunit Aalpha; plus strand). Cytogenetic location: 19q13.41.
Variant type: single nucleotide variant.
Coding change: c.888C>T on transcript NM_014225.6 (MANE Select); coding-DNA position 888, C replaced by T.
Protein change: p.Ala296=; no amino-acid change (alanine 296 retained).
Molecular consequence: synonymous variant. On other transcripts: non-coding transcript variant (1).
Genome position (GRCh38, 1-based): chr19:52,215,859, C>T. VCF-style: chr19-52215859-C-T. GRCh37 (hg19) VCF-style: chr19-52719112-C-T.
Other names: c.351C>T, p.Ala117= (NM_001363656.2); c.888C>T (NM_014225.5).
Identifiers: ClinVar variation 1647742 (VCV001647742.10), dbSNP rs756949044, ClinGen allele CA9621453.

ClinVar aggregate classification (germline): Likely benign. Review status: criteria provided, single submitter (1 of 4 stars). 2 submissions from 2 submitters: Likely benign (1). 1 of the submissions does not count toward it. Last evaluated 2025-12-16.

Conditions:
PPP2R1A-related disorder.

Allele frequency attached by ClinVar (database versions not stated): TOPMed 0.00003; gnomAD 0.00004 and 0.00003; ExAC 0.00005; gnomAD exomes 0.00006.
gnomAD v4.1: 75 of 1,613,884 alleles (0.0046%); highest among the groups gnomAD compares: East Asian, 0.013%; no homozygotes.

Submissions (2):

Labcorp Genetics (formerly Invitae), Labcorp
Classification: Likely benign. Last evaluated: 2025-12-16. Review status: criteria provided, single submitter. Criteria: Invitae Variant Classification Sherloc (09022015). Collection method: clinical testing. Allele origin: germline.

PreventionGenetics, part of Exact Sciences
Classification: Likely benign for PPP2R1A-related condition. Last evaluated: 2019-06-28. Review status: no assertion criteria provided. Collection method: clinical testing. Allele origin: germline. Not counted in ClinVar's aggregate classification.
Comment: This variant is classified as likely benign based on ACMG/AMP sequence variant interpretation guidelines (Richards et al. 2015 PMID: 25741868, with internal and published modifications).